The following is an entry in ClinVar:

ClinVar aggregate classification (germline): Likely benign. Review status: criteria provided, multiple submitters, no conflicts (2 of 4 stars). 3 submissions from 3 submitters: Likely benign (2). 1 of the submissions does not count toward it. Last evaluated 2025-08-04.

Conditions:
Inborn genetic diseases. Identifiers: MedGen C0950123, MeSH D030342.
FARSB-related disorder. Also called: FARSB-related condition.

Allele frequency attached by ClinVar (database versions not stated): gnomAD exomes 0.00029; ExAC 0.00055; 1000 Genomes Project 0.00060; 1000 Genomes Project 30x 0.00062; ESP Exome Variant Server 0.00085; gnomAD 0.00102 and 0.00113; TOPMed 0.00134.
gnomAD v4.1: 324 of 1,594,906 alleles (0.02%); highest among the groups gnomAD compares: African/African-American, 0.4%; no homozygotes.

Submissions (3):

Labcorp Genetics (formerly Invitae), Labcorp
Classification: Likely benign. Last evaluated: 2025-08-04. Review status: criteria provided, single submitter. Criteria: Invitae Variant Classification Sherloc (09022015). Collection method: clinical testing. Allele origin: germline.

Ambry Genetics
Classification: Likely benign for Inborn genetic diseases. Last evaluated: 2022-05-10. Review status: criteria provided, single submitter. Criteria: Ambry Variant Classification Scheme 2023. Collection method: clinical testing. Allele origin: germline.

PreventionGenetics, part of Exact Sciences
Classification: Likely benign for FARSB-related condition. Last evaluated: 2022-04-28. Review status: no assertion criteria provided. Collection method: clinical testing. Allele origin: germline. Not counted in ClinVar's aggregate classification.
Comment: This variant is classified as likely benign based on ACMG/AMP sequence variant interpretation guidelines (Richards et al. 2015 PMID: 25741868, with internal and published modifications).

NM_005687.5(FARSB):c.49C>T (p.Arg17Cys)

Gene: FARSB (phenylalanyl-tRNA synthetase subunit beta; minus strand). Cytogenetic location: 2q36.1.
Variant type: single nucleotide variant.
Coding change: c.49C>T on transcript NM_005687.5 (MANE Select); coding-DNA position 49, C replaced by T.
Protein change: p.Arg17Cys; replaces arginine 17 with cysteine.
Molecular consequence: missense variant. On other transcripts: non-coding transcript variant (1).
Genome position (GRCh38, 1-based): chr2:222,656,025, G>A on the plus strand (C>T on the coding strand, the complement: FARSB is on the minus strand). VCF-style: chr2-222656025-G-A. GRCh37 (hg19) VCF-style: chr2-223520744-G-A.
Other names: c.49C>T (NM_005687.3, NM_005687.4); short protein forms R17C.
Identifiers: ClinVar variation 1611738 (VCV001611738.11), dbSNP rs138500296, ClinGen allele CA2136786.